The following is an entry in ClinVar:

NM_000492.4(CFTR):c.2774C>T (p.Thr925Ile)

Gene: CFTR (CF transmembrane conductance regulator; plus strand). Cytogenetic location: 7q31.2.
Variant type: single nucleotide variant.
Coding change: c.2774C>T on transcript NM_000492.4 (MANE Select); coding-DNA position 2774, C replaced by T.
Protein change: p.Thr925Ile; replaces threonine 925 with isoleucine.
Molecular consequence: missense variant.
Genome position (GRCh38, 1-based): chr7:117,603,648, C>T. VCF-style: chr7-117603648-C-T. GRCh37 (hg19) VCF-style: chr7-117243702-C-T.
Other names: short protein forms T925I.
Identifiers: ClinVar variation 1795834 (VCV001795834.2), dbSNP rs376827439, ClinGen allele CA164960163.
Genomic context (GRCh38, chr7:117,603,648, plus strand): 5'-TGATTATCACCAGCACCAGTTCGTATTATGTGTTTTACATTTACGTGGGAGTAGCCGACA[C>T]TTTGCTTGCTATGGGATTCTTCAGAGGTCTACCACTGGTGCATACTCTAATCACAGTGTC-3'
Protein context (NP_000483.3, residues 915-935): VFYIYVGVAD[Thr925Ile]LLAMGFFRGL

ClinVar aggregate classification (germline): Uncertain significance (1 of 4 stars; one submission).

Conditions:
Cystic fibrosis (CF). Also called: MUCOVISCIDOSIS. Identifiers: Orphanet 586, MedGen C0010674, MONDO:0009061, OMIM 219700. Disease mechanism: loss of function.

Allele frequency attached by ClinVar (database versions not stated): TOPMed 0.00001; ESP Exome Variant Server 0.00008; gnomAD 0.00001.
gnomAD v4.1: 3 of 1,613,954 alleles (0.00019%); highest among the groups gnomAD compares: African/African-American, 0.0013%; no homozygotes.

Submission:

Ambry Genetics
Classification: Uncertain significance for Cystic fibrosis. Last evaluated: 2024-01-15. Review status: criteria provided, single submitter. Criteria: Ambry Variant Classification Scheme 2023. Collection method: clinical testing. Allele origin: germline.
Comment: The p.T925I variant (also known as c.2774C>T), located in coding exon 17 of the CFTR gene, results from a C to T substitution at nucleotide position 2774. The threonine at codon 925 is replaced by isoleucine, an amino acid with similar properties. This amino acid position is conserved. In addition, the in silico prediction for this alteration is inconclusive. Since supporting evidence is limited at this time, the clinical significance of this alteration remains unclear.